The following is an entry in ClinVar:

ClinVar aggregate classification (germline): Conflicting classifications of pathogenicity. Review status: criteria provided, conflicting classifications (1 of 4 stars). 6 submissions from 6 submitters: Uncertain significance (1); Benign (2); Likely benign (2). 1 of the submissions does not count toward it. Last evaluated 2026-01-31.

Conditions:
PEX26-related disorder. Also called: PEX26-related condition.
Peroxisome biogenesis disorder 7A (Zellweger). Also called: Peroxisome biogenesis disorder 7A. Identifiers: Orphanet 912, MedGen C3888385, MONDO:0013938, OMIM 614872.
Peroxisome biogenesis disorder 7B (PBD7B). Identifiers: Orphanet 44, MedGen C3553951, MONDO:0013939, OMIM 614873.

Allele frequency attached by ClinVar (database versions not stated): ESP Exome Variant Server 0.00054; gnomAD 0.00060 and 0.00063; TOPMed 0.00064.
gnomAD v4.1: 1,059 of 1,614,018 alleles (0.066%); highest among the groups gnomAD compares: Middle Eastern, 0.12%; 9 homozygotes.

Submissions (6):

Labcorp Genetics (formerly Invitae), Labcorp
Classification: Benign for Peroxisome biogenesis disorder 7A (Zellweger); Peroxisome biogenesis disorder 7B. Last evaluated: 2026-01-31. Review status: criteria provided, single submitter. Criteria: Invitae Variant Classification Sherloc (09022015). Collection method: clinical testing. Allele origin: germline.

Blueprint Genetics
Classification: Likely benign. Last evaluated: 2024-10-11. Review status: criteria provided, single submitter. Criteria: ACMG Guidelines, 2015. Collection method: clinical testing. Allele origin: germline.

Dubai Health Genomic Medicine Center, Dubai Health
Classification: Benign. Last evaluated: 2019-12-26. Review status: criteria provided, single submitter. Criteria: ACMG Guidelines, 2015. Collection method: clinical testing. Allele origin: germline. Affected: yes.

Illumina Laboratory Services, Illumina
Classification: Uncertain significance for Peroxisome biogenesis disorder 7A (Zellweger). Last evaluated: 2018-01-12. Review status: criteria provided, single submitter. Criteria: ICSL Variant Classification Criteria 13 December 2019. Collection method: clinical testing. Allele origin: germline.

Eurofins Ntd Llc (ga)
Classification: Likely benign. Last evaluated: 2017-04-20. Review status: criteria provided, single submitter. Criteria: EGL Classification Definitions 2015. Collection method: clinical testing. Allele origin: germline. Observed: 2 variant alleles, 2 heterozygotes.

PreventionGenetics, part of Exact Sciences
Classification: Benign for PEX26-related condition. Last evaluated: 2019-06-05. Review status: no assertion criteria provided. Collection method: clinical testing. Allele origin: germline. Not counted in ClinVar's aggregate classification.
Comment: This variant is classified as benign based on ACMG/AMP sequence variant interpretation guidelines (Richards et al. 2015 PMID: 25741868, with internal and published modifications).

NM_001127649.3(PEX26):c.643G>A (p.Glu215Lys)

Gene: PEX26 (peroxisomal biogenesis factor 26; plus strand). Cytogenetic location: 22q11.21.
Variant type: single nucleotide variant.
Coding change: c.643G>A on transcript NM_001127649.3 (MANE Select); coding-DNA position 643, G replaced by A.
Protein change: p.Glu215Lys; replaces glutamic acid 215 with lysine.
Molecular consequence: missense variant.
Genome position (GRCh38, 1-based): chr22:18,083,708, G>A. VCF-style: chr22-18083708-G-A. GRCh37 (hg19) VCF-style: chr22-18566474-G-A.
Other names: c.643G>A, p.Glu215Lys (NM_001199319.2, NM_017929.6); short protein forms E215K.
Identifiers: ClinVar variation 197316 (VCV000197316.24), dbSNP rs138232280, ClinGen allele CA245382.